The following is an entry in ClinVar:

ClinVar aggregate classification (germline): Uncertain significance. Review status: criteria provided, multiple submitters, no conflicts (2 of 4 stars). 2 submissions from 2 submitters: Uncertain significance (2). Last evaluated 2026-03-24.

Conditions:
Early-infantile DEE. Also called: Ohtahara syndrome; Early infantile epileptic encephalopathy; Early infantile epileptic encephalopathy with suppression bursts. Identifiers: Orphanet 1934, MedGen C0393706, MONDO:0800491.

gnomAD v4.1: 2 of 1,606,642 alleles (0.00012%); highest among the groups gnomAD compares: Non-Finnish European, 0.000085%; no homozygotes.

Submissions (2):

Women's Health and Genetics/Laboratory Corporation of America, LabCorp
Classification: Uncertain significance. Last evaluated: 2026-03-24. Review status: criteria provided, single submitter. Criteria: LabCorp Variant Classification Summary - May 2015. Collection method: clinical testing. Allele origin: germline.
Comment: Variant summary: SCN1A c.3974G>A (p.Arg1325Lys) results in a conservative amino acid change in the encoded protein sequence. Algorithms developed to predict the effect of missense changes on protein structure and function are either unavailable or do not agree on the potential impact of this missense change. The variant was absent in 249714 control chromosomes. The available data on variant occurrences in the general population are insufficient to allow any conclusion about variant significance. To our knowledge, no occurrence of c.3974G>A in individuals affected with SCN1A-related conditions and no experimental evidence demonstrating its impact on protein function have been reported. ClinVar contains an entry for this variant (Variation ID: 4738606). Based on the evidence outlined above, the variant was classified as uncertain significance.

Labcorp Genetics (formerly Invitae), Labcorp
Classification: Uncertain significance for Early-infantile DEE. Last evaluated: 2025-03-23. Review status: criteria provided, single submitter. Criteria: Invitae Variant Classification Sherloc (09022015). Collection method: clinical testing. Allele origin: germline.
Comment: This sequence change replaces arginine, which is basic and polar, with lysine, which is basic and polar, at codon 1325 of the SCN1A protein (p.Arg1325Lys). This variant is not present in population databases (gnomAD no frequency). This variant has not been reported in the literature in individuals affected with SCN1A-related conditions. Invitae Evidence Modeling of protein sequence and biophysical properties (such as structural, functional, and spatial information, amino acid conservation, physicochemical variation, residue mobility, and thermodynamic stability) indicates that this missense variant is expected to disrupt SCN1A protein function with a positive predictive value of 95%. In summary, the available evidence is currently insufficient to determine the role of this variant in disease. Therefore, it has been classified as a Variant of Uncertain Significance.

NM_001165963.4(SCN1A):c.3974G>A (p.Arg1325Lys)

Genes: SCN1A (sodium voltage-gated channel alpha subunit 1; minus strand), LOC102724058 (uncharacterized LOC102724058; plus strand). Cytogenetic location: 2q24.3.
Variant type: single nucleotide variant.
Coding change: c.3974G>A on transcript NM_001165963.4 (MANE Select); coding-DNA position 3974, G replaced by A.
Protein change: p.Arg1325Lys; replaces arginine 1325 with lysine.
Molecular consequence: missense variant. On other transcripts: non-coding transcript variant (1).
Genome position (GRCh38, 1-based): chr2:166,009,747, C>T on the plus strand (G>A on the coding strand, the complement: SCN1A is on the minus strand). VCF-style: chr2-166009747-C-T. GRCh37 (hg19) VCF-style: chr2-166866257-C-T.
Other names: c.3974G>A, p.Arg1325Lys (NM_001353948.2, NM_001202435.3); c.3941G>A, p.Arg1314Lys (NM_001353949.2, NM_001353950.2, NM_001353951.2 and 2 more transcripts); c.3938G>A, p.Arg1313Lys (NM_001353954.2, NM_001353955.2); c.3890G>A, p.Arg1297Lys (NM_001353957.2, NM_001353958.2, NM_001165964.3); c.3887G>A, p.Arg1296Lys (NM_001353960.2); c.1532G>A, p.Arg511Lys (NM_001353961.2); short protein forms R1296K, R1313K, R511K, R1297K, R1314K, R1325K.
Identifiers: ClinVar variation 4738606 (VCV004738606.2).